The following is an entry in ClinVar:

NM_002230.4(JUP):c.532_542del (p.Ala178fs)

Gene: JUP (junction plakoglobin; minus strand). Cytogenetic location: 17q21.2.
Variant type: Deletion.
Coding change: c.532_542del on transcript NM_002230.4 (MANE Select); coding-DNA positions 532 to 542, 11 bases deleted (GCCCTGATGGG).
Protein change: p.Ala178fs; shifts the reading frame from alanine 178.
Molecular consequence: frameshift variant.
Genome position (GRCh38, 1-based): chr17:41,769,134-41,769,144, CCCATCAGGGC deleted on the plus strand (GCCCTGATGGG on the coding strand, the reverse complement: JUP is on the minus strand); deleting any 11 consecutive bases within chr17:41,769,134-41,769,146 gives the same sequence; the c. name uses the placement nearest the transcript's 3' end. VCF-style (leftmost placement, unchanged base first): chr17-41769133-GCCCATCAGGGC-G. GRCh37 (hg19) VCF-style: chr17-39925385-GCCCATCAGGGC-G.
Other names: c.532_542del, p.Ala178fs (NM_001352773.2, NM_001352774.2, NM_001352775.2 and 3 more transcripts); short protein forms A178fs.
Identifiers: ClinVar variation 1070039 (VCV001070039.7), dbSNP rs2143683612, ClinGen allele CA2499224322.

ClinVar aggregate classification (germline): Pathogenic (1 of 4 stars; one submission).

Conditions:
Naxos disease (NXD). Also called: KERATOSIS PALMOPLANTARIS WITH ARRHYTHMOGENIC CARDIOMYOPATHY; MAL DE NAXOS; PALMOPLANTAR KERATODERMA WITH ARRHYTHMOGENIC RIGHT VENTRICULAR CARDIOMYOPATHY AND WOOLLY HAIR; CARDIOMYOPATHY, ARRHYTHMOGENIC RIGHT VENTRICULAR, WITH SKIN, HAIR, AND NAIL ABNORMALITIES; WOOLLY HAIR, PALMOPLANTAR KERATODERMA, AND CARDIAC ABNORMALITIES. Identifiers: Orphanet 34217, MedGen C1832600, MONDO:0011017, OMIM 601214.
Arrhythmogenic right ventricular dysplasia 12. Also called: ARRHYTHMOGENIC RIGHT VENTRICULAR DYSPLASIA, FAMILIAL, 12. Identifiers: MedGen C1969081, MONDO:0012684, OMIM 611528.

Submission:

Labcorp Genetics (formerly Invitae), Labcorp
Classification: Pathogenic for Arrhythmogenic right ventricular dysplasia 12; Naxos disease. Last evaluated: 2018-06-26. Review status: criteria provided, single submitter. Criteria: Invitae Variant Classification Sherloc (09022015). Collection method: clinical testing. Allele origin: germline.
Comment: Loss-of-function variants in JUP are known to be pathogenic (PMID: 10902626). This variant has not been reported in the literature in individuals with JUP-related disease. This variant is not present in population databases (ExAC no frequency). This sequence change creates a premature translational stop signal (p.Ala178Leufs*140) in the JUP gene. It is expected to result in an absent or disrupted protein product. For these reasons, this variant has been classified as Pathogenic.

Literature cited by the submitters: PubMed 10902626.